The following is an entry in ClinVar:

NM_006231.4(POLE):c.4689del (p.Ile1564fs)

Gene: POLE (DNA polymerase epsilon, catalytic subunit; minus strand). Cytogenetic location: 12q24.33.
Variant type: Deletion.
Coding change: c.4689del on transcript NM_006231.4 (MANE Select); coding-DNA position 4689, one base deleted (C; older notation c.4689delC).
Protein change: p.Ile1564fs; shifts the reading frame from isoleucine 1564.
Molecular consequence: frameshift variant.
Genome position (GRCh38, 1-based): chr12:132,642,859, G deleted on the plus strand (C on the coding strand, the reverse complement: POLE is on the minus strand); the first of 2 consecutive G bases (chr12:132,642,859-132,642,860); deleting either gives the same sequence. VCF-style (leftmost placement, unchanged base first): chr12-132642858-TG-T. GRCh37 (hg19) VCF-style: chr12-133219444-TG-T.
Other names: c.4689delC (NM_006231.3, NM_006231.2); short protein forms I1564fs.
Identifiers: ClinVar variation 540674 (VCV000540674.9), dbSNP rs1555222696, ClinGen allele CA658798024.

ClinVar aggregate classification (germline): Conflicting classifications of pathogenicity. Review status: criteria provided, conflicting classifications (1 of 4 stars). 2 submissions from 2 submitters: Pathogenic (1); Uncertain significance (1). Last evaluated 2026-01-21.

Conditions:
Hereditary cancer-predisposing syndrome. Also called: Tumor predisposition; Hereditary Cancer Syndrome; Neoplastic Syndromes, Hereditary; Hereditary neoplastic syndrome. Identifiers: Orphanet 140162, MedGen C0027672, MeSH D009386, MONDO:0015356.

Submissions (2):

Ambry Genetics
Classification: Uncertain significance for Hereditary cancer-predisposing syndrome. Last evaluated: 2026-01-21. Review status: criteria provided, single submitter. Criteria: Ambry Variant Classification Scheme 2023. Collection method: clinical testing. Allele origin: germline.
Comment: The c.4689delC variant, located in coding exon 36 of the POLE gene, results from a deletion of one nucleotide at nucleotide position 4689, causing a translational frameshift with a predicted alternate stop codon (p.I1564Sfs*30). This alteration is expected to result in loss of function by premature protein truncation or nonsense-mediated mRNA decay. Although biallelic loss of function of POLE has been associated with autosomal recessive POLE deficiency, haploinsufficiency of POLE has not been established as a mechanism of disease for POLE-related polymerase proofreading-associated polyposis (PPAP) and POLE-related CMMRD-like syndrome. Based on the supporting evidence, this variant is expected to be causative of POLE deficiency when present along with a second pathogenic variant on the other allele; however, its clinical significance for PPAP and POLE-related CMMRD-like syndrome is unclear.

Labcorp Genetics (formerly Invitae), Labcorp
Classification: Pathogenic. Last evaluated: 2022-05-11. Review status: criteria provided, single submitter. Criteria: Invitae Variant Classification Sherloc (09022015). Collection method: clinical testing. Allele origin: germline.
Comment: For these reasons, this variant has been classified as Pathogenic. ClinVar contains an entry for this variant (Variation ID: 540674). This variant has not been reported in the literature in individuals affected with POLE-related conditions. This variant is not present in population databases (gnomAD no frequency). This sequence change creates a premature translational stop signal (p.Ile1564Serfs*30) in the POLE gene. It is expected to result in an absent or disrupted protein product. Loss-of-function variants in POLE are known to be pathogenic (PMID: 23230001, 25948378, 30503519).

Literature cited by the submitters: PubMed 23230001 (cited by Labcorp Genetics (formerly Invitae), Labcorp); PubMed 25948378 (cited by Labcorp Genetics (formerly Invitae), Labcorp); PubMed 30503519 (cited by Labcorp Genetics (formerly Invitae), Labcorp).